The following is an entry in ClinVar:

NM_001379081.2(FREM1):c.3147C>T (p.Ser1049=)

Gene: FREM1 (FRAS1 related extracellular matrix 1; minus strand). Cytogenetic location: 9p22.3.
Variant type: single nucleotide variant.
Coding change: c.3147C>T on transcript NM_001379081.2 (MANE Select); coding-DNA position 3147, C replaced by T.
Protein change: p.Ser1049=; no amino-acid change (serine 1049 retained).
Molecular consequence: synonymous variant. On other transcripts: non-coding transcript variant (2).
Genome position (GRCh38, 1-based): chr9:14,806,788, G>A on the plus strand (C>T on the coding strand, the complement: FREM1 is on the minus strand). VCF-style: chr9-14806788-G-A. GRCh37 (hg19) VCF-style: chr9-14806786-G-A.
Other names: c.3147C>T, p.Ser1049= (NM_144966.7).
Identifiers: ClinVar variation 194992 (VCV000194992.39), dbSNP rs200894045, ClinGen allele CA241243.

ClinVar aggregate classification (germline): Conflicting classifications of pathogenicity. Review status: criteria provided, conflicting classifications (1 of 4 stars). 7 submissions from 7 submitters: Uncertain significance (1); Benign (1); Likely benign (3). 2 of the submissions do not count toward it. Last evaluated 2026-06-01.

Conditions:
Oculotrichoanal syndrome (MOTA). Also called: MARLES SYNDROME; Manitoba Oculotrichoanal (MOTA) Syndrome. Identifiers: Orphanet 2717, MedGen C1855425, MONDO:0009560, OMIM 248450.

Allele frequency attached by ClinVar (database versions not stated): gnomAD 0.00092; TOPMed 0.00101; 1000 Genomes Project 30x 0.00109; 1000 Genomes Project 0.00080; ESP Exome Variant Server 0.00087.
gnomAD v4.1: 2,541 of 1,607,122 alleles (0.16%); highest among the groups gnomAD compares: Non-Finnish European, 0.19%; 6 homozygotes.

Submissions (7):

CeGaT Center for Human Genetics Tuebingen
Classification: Likely benign. Last evaluated: 2026-06-01. Review status: criteria provided, single submitter. Criteria: CeGaT Center For Human Genetics Tuebingen Variant Classification Criteria Version 2. Collection method: clinical testing. Allele origin: germline. Affected: yes. Observed: 3 variant alleles.
Comment: FREM1: BP4, BP7

Labcorp Genetics (formerly Invitae), Labcorp
Classification: Benign. Last evaluated: 2025-09-05. Review status: criteria provided, single submitter. Criteria: Invitae Variant Classification Sherloc (09022015). Collection method: clinical testing. Allele origin: germline.

Blueprint Genetics
Classification: Likely benign. Last evaluated: 2024-11-06. Review status: criteria provided, single submitter. Criteria: ACMG Guidelines, 2015. Collection method: clinical testing. Allele origin: germline.

Illumina Laboratory Services, Illumina
Classification: Uncertain significance for Oculotrichoanal syndrome. Last evaluated: 2018-01-13. Review status: criteria provided, single submitter. Criteria: ICSL Variant Classification Criteria 13 December 2019. Collection method: clinical testing. Allele origin: germline.

Eurofins Ntd Llc (ga)
Classification: Likely benign. Last evaluated: 2016-01-15. Review status: criteria provided, single submitter. Criteria: EGL Classification Definitions 2015. Collection method: clinical testing. Allele origin: germline. Observed: 2 variant alleles, 2 heterozygotes.

Clinical Genetics DNA and cytogenetics Diagnostics Lab, Erasmus MC, Erasmus Medical Center
Classification: Likely benign. Review status: no assertion criteria provided. Collection method: clinical testing. Allele origin: germline. Affected: yes. Study: VKGL Data-share Consensus. Not counted in ClinVar's aggregate classification.

Genome Diagnostics Laboratory, University Medical Center Utrecht
Classification: Likely benign. Review status: no assertion criteria provided. Collection method: clinical testing. Allele origin: germline. Affected: yes. Study: VKGL Data-share Consensus. Not counted in ClinVar's aggregate classification.